The following is an entry in ClinVar:

ClinVar aggregate classification (germline): Likely benign (1 of 4 stars; one submission).

Conditions:
IFT172-related disorder. Also called: IFT172-related condition; IFT172-related disorders.

gnomAD v4.1: 1 of 1,614,124 alleles (0.000062%); highest among the groups gnomAD compares: Non-Finnish European, 0.000085%; no homozygotes.

Submission:

PreventionGenetics, part of Exact Sciences
Classification: Likely benign for IFT172-related condition. Last evaluated: 2026-02-11. Review status: criteria provided, single submitter. Criteria: ACMG Guidelines, 2015. Collection method: clinical testing. Allele origin: germline.
Comment: This variant is classified as likely benign based on ACMG/AMP sequence variant interpretation guidelines (Richards et al. 2015 PMID: 25741868, with internal and published modifications).

NM_015662.3(IFT172):c.2805T>C (p.Tyr935=)

Genes: IFT172 (intraflagellar transport 172; minus strand), LOC126806174 (CDK7 strongly-dependent group 2 enhancer GRCh37_chr2:27681686-27682885; plus strand). Cytogenetic location: 2p23.3.
Variant type: single nucleotide variant.
Coding change: c.2805T>C on transcript NM_015662.3 (MANE Select); coding-DNA position 2805, T replaced by C.
Protein change: p.Tyr935=; no amino-acid change (tyrosine 935 retained).
Molecular consequence: synonymous variant.
Genome position (GRCh38, 1-based): chr2:27,458,851, A>G on the plus strand (T>C on the coding strand, the complement: IFT172 is on the minus strand). VCF-style: chr2-27458851-A-G. GRCh37 (hg19) VCF-style: chr2-27681718-A-G.
Other names: c.2739T>C, p.Tyr913= (NM_001410739.1).
Identifiers: ClinVar variation 4995236 (VCV004995236.1).